The following is an entry in ClinVar:

ClinVar aggregate classification (germline): Uncertain significance. Review status: criteria provided, multiple submitters, no conflicts (2 of 4 stars). 2 submissions from 2 submitters: Uncertain significance (2). Last evaluated 2024-03-15.

Conditions:
Inborn genetic diseases. Identifiers: MedGen C0950123, MeSH D030342.
Schneckenbecken dysplasia. Identifiers: Orphanet 3144, MedGen C0432194, MONDO:0010013, OMIM 269250.

Allele frequency attached by ClinVar (database versions not stated): gnomAD 0.00001; gnomAD exomes 0.00002; TOPMed 0.00002; ExAC 0.00005.
gnomAD v4.1: 35 of 1,610,712 alleles (0.0022%); highest among the groups gnomAD compares: South Asian, 0.019%; no homozygotes.

Submissions (2):

Ambry Genetics
Classification: Uncertain significance for Inborn genetic diseases. Last evaluated: 2024-03-15. Review status: criteria provided, single submitter. Criteria: Ambry Variant Classification Scheme 2023. Collection method: clinical testing. Allele origin: germline.

Labcorp Genetics (formerly Invitae), Labcorp
Classification: Uncertain significance for Schneckenbecken dysplasia. Last evaluated: 2023-06-19. Review status: criteria provided, single submitter. Criteria: Invitae Variant Classification Sherloc (09022015). Collection method: clinical testing. Allele origin: germline.
Comment: In summary, the available evidence is currently insufficient to determine the role of this variant in disease. Therefore, it has been classified as a Variant of Uncertain Significance. Advanced modeling of protein sequence and biophysical properties (such as structural, functional, and spatial information, amino acid conservation, physicochemical variation, residue mobility, and thermodynamic stability) performed at Invitae indicates that this missense variant is not expected to disrupt SLC35D1 protein function. This variant has not been reported in the literature in individuals affected with SLC35D1-related conditions. This variant is present in population databases (rs751569615, gnomAD 0.02%). This sequence change replaces threonine, which is neutral and polar, with methionine, which is neutral and non-polar, at codon 277 of the SLC35D1 protein (p.Thr277Met).

NM_015139.3(SLC35D1):c.830C>T (p.Thr277Met)

Gene: SLC35D1 (solute carrier family 35 member D1; minus strand). Cytogenetic location: 1p31.3.
Variant type: single nucleotide variant.
Coding change: c.830C>T on transcript NM_015139.3 (MANE Select); coding-DNA position 830, C replaced by T.
Protein change: p.Thr277Met; replaces threonine 277 with methionine.
Molecular consequence: missense variant.
Genome position (GRCh38, 1-based): chr1:67,020,415, G>A on the plus strand (C>T on the coding strand, the complement: SLC35D1 is on the minus strand). VCF-style: chr1-67020415-G-A. GRCh37 (hg19) VCF-style: chr1-67486098-G-A.
Other names: c.830C>T (NM_015139.2); short protein forms T277M.
Identifiers: ClinVar variation 2912167 (VCV002912167.2), dbSNP rs751569615, ClinGen allele CA898856.